The following is an entry in ClinVar:

NM_004993.6(ATXN3):c.892CAG[16] (p.Gln305_Gly306insGlnGlnGlnGlnGlnGlnGlnGln)

Genes: ATXN3 (ataxin 3; minus strand), LOC108663987 (ataxin 3 repeat instability region; plus strand). Cytogenetic location: 14q32.12.
Variant type: Microsatellite.
Coding change: c.892CAG[16] on transcript NM_004993.6 (MANE Select); 16 copies in a row of the 3-base unit CAG starting at c.892; the reference has eight copies in a row; eight copies, 24 bases duplicated.
Protein change: p.Gln305_Gly306insGlnGlnGlnGlnGlnGlnGlnGln.
Molecular consequence: inframe indel (on NM_001164775.1). On other transcripts: non-coding transcript variant (21).
Genome position (GRCh38, 1-based): chr14:92,071,011-92,071,034, CTGCTGCTGCTGCTGCTGCTGCTG duplicated on the plus strand (CAGCAGCAGCAGCAGCAGCAGCAG on the coding strand, the reverse complement: ATXN3 is on the minus strand). VCF-style (leftmost placement, unchanged base first): chr14-92071010-C-CCTGCTGCTGCTGCTGCTGCTGCTG. GRCh37 (hg19) VCF-style: chr14-92537354-C-CCTGCTGCTGCTGCTGCTGCTGCTG.
Other names: c.847CAG[16], p.Gln290_Gly291insGlnGlnGlnGlnGlnGlnGlnGln (NM_001127696.2); c.739CAG[16], p.Gln254_Gly255insGlnGlnGlnGlnGlnGlnGlnGln (NM_001127697.3); c.209CAG[16], p.Ala77_Gly78insAlaAlaAlaAlaAlaAlaAlaAla (NM_001164774.2); c.169_171CAG[16], p.Gln64_Gly65insGlnGlnGlnGlnGlnGlnGlnGln (NM_001164775.1); c.254CAG[16], p.Ala92_Gly93insAlaAlaAlaAlaAlaAlaAlaAla (NM_001164776.2); c.89CAG[16], p.Ala37_Gly38insAlaAlaAlaAlaAlaAlaAlaAla (NM_001164777.2); c.407CAG[16], p.Ala143_Gly144insAlaAlaAlaAlaAlaAlaAlaAla (NM_001164778.2); c.529CAG[16], p.Gln184_Gly185insGlnGlnGlnGlnGlnGlnGlnGln (NM_001164779.2); and 5 more.
Identifiers: ClinVar variation 3055415 (VCV003055415.4), dbSNP rs193922928, ClinGen allele CA487832703.
Genomic context (GRCh38, chr14:92,071,010, plus strand): 5'-GTGCTCCTGAACTGGTGGCTGGCCTTTCACATGGATGTGAACTCTGTCCTGATAGGTCCC[C>CCTGCTGCTGCTGCTGCTGCTGCTG]CTGCTGCTGCTGCTGCTGCTGCTGTTGCTGCTTTTGCTGCTGTCTGAAACATTCAAAAGT-3'

ClinVar aggregate classification (germline): Likely benign. Review status: criteria provided, multiple submitters, no conflicts (2 of 4 stars). 3 submissions from 3 submitters: Likely benign (2). 1 of the submissions does not count toward it. Last evaluated 2025-02-16.

Conditions:
ATXN3-related disorder. Also called: ATXN3-related condition.

Submissions (3):

Laboratory of Genetics, Children's Clinical University Hospital Latvia
Classification: Likely benign. Last evaluated: 2025-02-16. Review status: criteria provided, single submitter. Criteria: ACMG Guidelines, 2015. Collection method: clinical testing. Allele origin: germline. Affected: yes.

Blueprint Genetics
Classification: Likely benign. Last evaluated: 2024-11-27. Review status: criteria provided, single submitter. Criteria: ACMG Guidelines, 2015. Collection method: clinical testing. Allele origin: germline.

PreventionGenetics, part of Exact Sciences
Classification: Benign for ATXN3-related condition. Last evaluated: 2020-06-16. Review status: no assertion criteria provided. Collection method: clinical testing. Allele origin: germline. Not counted in ClinVar's aggregate classification.
Comment: This variant is classified as benign based on ACMG/AMP sequence variant interpretation guidelines (Richards et al. 2015 PMID: 25741868, with internal and published modifications).